The following is an entry in ClinVar:

ClinVar aggregate classification (germline): Pathogenic (1 of 4 stars; one submission).

Conditions:
Cardiovascular phenotype. Identifiers: MedGen CN230736.
Hereditary cancer-predisposing syndrome. Also called: Hereditary Cancer Syndrome; Hereditary neoplastic syndrome; Neoplastic Syndromes, Hereditary; Tumor predisposition. Identifiers: Orphanet 140162, MedGen C0027672, MeSH D009386, MONDO:0015356.

Submission:

Ambry Genetics
Classification: Pathogenic for Cardiovascular phenotype; Hereditary cancer-predisposing syndrome. Last evaluated: 2020-02-10. Review status: criteria provided, single submitter. Criteria: Ambry Variant Classification Scheme 2023. Collection method: clinical testing. Allele origin: germline.
Comment: The c.1423delC pathogenic mutation, located in coding exon 13 of the NF1 gene, results from a deletion of one nucleotide at nucleotide position 1423, causing a translational frameshift with a predicted alternate stop codon (p.K476Nfs*22). This alteration was identified in multiple individuals with a clinical diagnosis of neurofibromatosis type one (NF1) (Griffiths S et al. Fam. Cancer, 2007;6:21-34; Giugliano T et al. Genes (Basel), 2019 07;10:). Of note, this alteration is also designated as c.1422delC in published literature. In addition to the clinical data presented in the literature, this alteration is expected to result in loss of function by premature protein truncation or nonsense-mediated mRNA decay. As such, this alteration is interpreted as a disease-causing mutation.

NM_001042492.3(NF1):c.1423del (p.Lys476fs)

Gene: NF1 (neurofibromin 1; plus strand). Cytogenetic location: 17q11.2.
Variant type: Deletion.
Coding change: c.1423del on transcript NM_001042492.3 (MANE Select); coding-DNA position 1423, one base deleted (C; older notation c.1423delC).
Protein change: p.Lys476fs; shifts the reading frame from lysine 476.
Molecular consequence: frameshift variant.
Genome position (GRCh38, 1-based): chr17:31,214,481, C deleted; the last of 2 consecutive C bases (chr17:31,214,480-31,214,481); deleting either gives the same sequence. VCF-style (leftmost placement, unchanged base first): chr17-31214479-GC-G. GRCh37 (hg19) VCF-style: chr17-29541497-GC-G.
Other names: c.1423delC (NM_000267.3); c.1423delC, p.Lys476Asnfs (NM_000267.4); c.1423del, p.Lys476fs (NM_001128147.3); short protein forms K476fs.
Identifiers: ClinVar variation 1772312 (VCV001772312.2), dbSNP rs1555612274, ClinGen allele CA2255556376.
Genomic context (GRCh38, chr17:31,214,479, plus strand): 5'-TGTCTGATACCATGTTTTTGTTTTGTTTTTAGAGTCTTACATTTAAAGAAAAAGTAACAA[GC>G]CTTAAATTTAAAGAAAAACCTACAGACCTGGAGACAAGAAGCTATAAGTATCTTCTCTTG-3'